The following is an entry in ClinVar:

NM_001277115.2(DNAH11):c.10793C>T (p.Ala3598Val)

Gene: DNAH11 (dynein axonemal heavy chain 11; plus strand). Cytogenetic location: 7p15.3.
Variant type: single nucleotide variant.
Coding change: c.10793C>T on transcript NM_001277115.2 (MANE Select); coding-DNA position 10793, C replaced by T.
Protein change: p.Ala3598Val; replaces alanine 3598 with valine.
Molecular consequence: missense variant.
Genome position (GRCh38, 1-based): chr7:21,842,645, C>T. VCF-style: chr7-21842645-C-T. GRCh37 (hg19) VCF-style: chr7-21882263-C-T.
Other names: short protein forms A3598V.
Identifiers: ClinVar variation 3725453 (VCV003725453.8).

ClinVar aggregate classification (germline): Conflicting classifications of pathogenicity. Review status: criteria provided, conflicting classifications (1 of 4 stars). 2 submissions from 2 submitters: Uncertain significance (1); Likely benign (1). Last evaluated 2025-11-01.

Conditions:
Primary ciliary dyskinesia. Also called: Ciliary dyskinesia. Identifiers: Orphanet 244, MedGen C0008780, MONDO:0016575, HP:0012265.

gnomAD v4.1: 3 of 1,613,950 alleles (0.00019%); highest among the groups gnomAD compares: Admixed American, 0.0017%; no homozygotes.

Submissions (2):

CeGaT Center for Human Genetics Tuebingen
Classification: Uncertain significance. Last evaluated: 2025-11-01. Review status: criteria provided, single submitter. Criteria: CeGaT Center For Human Genetics Tuebingen Variant Classification Criteria Version 2. Collection method: clinical testing. Allele origin: germline. Affected: yes. Observed: 1 variant allele.
Comment: DNAH11: PM2, PM1:Supporting

Labcorp Genetics (formerly Invitae), Labcorp
Classification: Likely benign for Primary ciliary dyskinesia. Last evaluated: 2024-02-25. Review status: criteria provided, single submitter. Criteria: Invitae Variant Classification Sherloc (09022015). Collection method: clinical testing. Allele origin: germline.